The following is an entry in ClinVar:

ClinVar aggregate classification (germline): Uncertain significance (1 of 4 stars; one submission).

Conditions:
Arrhythmogenic right ventricular cardiomyopathy (ARVD). Also called: Arrhythmogenic right ventricular dysplasia; Cardiomyopathy, ARVC; Arrhythmogenic cardiomyopathy; Arrhythmogenic Right Ventricular Cardiomyopathy (ARVC). Identifiers: Orphanet 247, MedGen C0349788, MeSH D019571, MONDO:0016587. Disease mechanism: loss of function. Inheritance: Various modes of inheritance.

Submission:

All of Us Research Program, National Institutes of Health
Classification: Uncertain significance for Arrhythmogenic right ventricular cardiomyopathy. Last evaluated: 2023-06-26. Review status: criteria provided, single submitter. Criteria: ACMG Guidelines, 2015. Collection method: clinical testing. Allele origin: germline. Inheritance: Autosomal dominant inheritance. Observed: 1 variant allele, 1 heterozygote.
Comment: This variant is located in the PKP2 protein. To our knowledge, functional studies have not been reported for this variant. This variant has not been reported in individuals affected with PKP2-related disorders in the literature. This variant has not been identified in the general population by the Genome Aggregation Database (gnomAD). The available evidence is insufficient to determine the role of this variant in disease conclusively. Therefore, this variant is classified as a Variant of Uncertain Significance.

This study involves interpretation of variants in research participants for the purpose of population health screening. Participant phenotype was not available at the time of variant classification. Additional details can be found in publication PMID: 35346344, PMCID: PMC8962531

NM_001005242.3(PKP2):c.813C>A (p.Val271=)

Gene: PKP2 (plakophilin 2; minus strand). Cytogenetic location: 12p11.21.
Variant type: single nucleotide variant.
Coding change: c.813C>A on transcript NM_001005242.3 (MANE Select); coding-DNA position 813, C replaced by A.
Protein change: p.Val271=; no amino-acid change (valine 271 retained).
Molecular consequence: synonymous variant.
Genome position (GRCh38, 1-based): chr12:32,878,067, G>T on the plus strand (C>A on the coding strand, the complement: PKP2 is on the minus strand). VCF-style: chr12-32878067-G-T. GRCh37 (hg19) VCF-style: chr12-33031001-G-T.
Other names: c.813C>A, p.Val271= (NM_001407155.1, NM_001407156.1, NM_001407157.1 and 2 more transcripts); c.486C>A, p.Val162= (NM_001407158.1, NM_001407159.1, NM_001407160.1 and 1 more transcripts).
Identifiers: ClinVar variation 3071795 (VCV003071795.1), dbSNP rs2541339541, ClinGen allele CA479387456.